The following is an entry in ClinVar:

ClinVar aggregate classification (germline): Pathogenic (1 of 4 stars; one submission).

Submission:

Labcorp Genetics (formerly Invitae), Labcorp
Classification: Pathogenic. Last evaluated: 2019-04-09. Review status: criteria provided, single submitter. Criteria: Invitae Variant Classification Sherloc (09022015). Collection method: clinical testing. Allele origin: germline.
Comment: This variant has not been reported in the literature in individuals with PHEX-related conditions. This variant is not present in population databases (ExAC no frequency). This sequence change creates a premature translational stop signal (p.Gln383Serfs*10) in the PHEX gene. It is expected to result in an absent or disrupted protein product. Loss-of-function variants in PHEX are known to be pathogenic (PMID: 9097956, 9106524, 19219621). For these reasons, this variant has been classified as Pathogenic.

Literature cited by the submitters: PubMed 9097956; PubMed 9106524; PubMed 19219621.

NM_000444.6(PHEX):c.1146del (p.Gln383fs)

Gene: PHEX (phosphate regulating endopeptidase X-linked; plus strand). Cytogenetic location: Xp22.11.
Variant type: Deletion.
Coding change: c.1146del on transcript NM_000444.6 (MANE Select); coding-DNA position 1146, one base deleted (T; older notation c.1146delT).
Protein change: p.Gln383fs; shifts the reading frame from glutamine 383.
Molecular consequence: frameshift variant.
Genome position (GRCh38, 1-based): chrX:22,111,533, T deleted; the last of 3 consecutive T bases (chrX:22,111,531-22,111,533); deleting any one gives the same sequence. VCF-style (leftmost placement, unchanged base first): chrX-22111530-CT-C. GRCh37 (hg19) VCF-style: chrX-22129648-CT-C.
Other names: c.1146del, p.Gln383fs (NM_001282754.2); short protein forms Q383fs.
Identifiers: ClinVar variation 864295 (VCV000864295.7), dbSNP rs1930968296, ClinGen allele CA916083872.